The following is an entry in ClinVar:

NM_003900.5(SQSTM1):c.728G>A (p.Ser243Asn)

Gene: SQSTM1 (sequestosome 1; plus strand). Cytogenetic location: 5q35.3.
Variant type: single nucleotide variant.
Coding change: c.728G>A on transcript NM_003900.5 (MANE Select); coding-DNA position 728, G replaced by A.
Protein change: p.Ser243Asn; replaces serine 243 with asparagine.
Molecular consequence: missense variant.
Genome position (GRCh38, 1-based): chr5:179,825,200, G>A. VCF-style: chr5-179825200-G-A. GRCh37 (hg19) VCF-style: chr5-179252200-G-A.
Other names: c.476G>A, p.Ser159Asn (NM_001142298.2, NM_001142299.2); short protein forms S159N, S243N.
Identifiers: ClinVar variation 1034452 (VCV001034452.8), dbSNP rs1325278483, ClinGen allele CA362446594.

ClinVar aggregate classification (germline): Uncertain significance (1 of 4 stars; one submission).

Conditions:
Frontotemporal dementia and/or amyotrophic lateral sclerosis 1 (FTDALS1). Also called: Frontotemporal dementia with motor neuron disease 1; C9orf72 Frontotemporal Dementia and/or Amyotrophic Lateral Sclerosis. Identifiers: Orphanet 275872, MedGen C5779877, MONDO:0007105, OMIM 105550.
Paget disease of bone 2, early-onset (PDB2). Also called: Paget disease of bone 2. Identifiers: MedGen C4085251, MONDO:0011183, OMIM 602080.

Allele frequency attached by ClinVar (database versions not stated): gnomAD 0.00001; gnomAD exomes 0.00001; TOPMed 0.00001.
gnomAD v4.1: 5 of 1,613,934 alleles (0.00031%); highest among the groups gnomAD compares: Admixed American, 0.0017%; no homozygotes.

Submission:

Labcorp Genetics (formerly Invitae), Labcorp
Classification: Uncertain significance for Paget disease of bone 2, early-onset; Frontotemporal dementia and/or amyotrophic lateral sclerosis 1. Last evaluated: 2022-03-20. Review status: criteria provided, single submitter. Criteria: Invitae Variant Classification Sherloc (09022015). Collection method: clinical testing. Allele origin: germline.
Comment: ClinVar contains an entry for this variant (Variation ID: 1034452). This variant has not been reported in the literature in individuals affected with SQSTM1-related conditions. This variant is present in population databases (no rsID available, gnomAD no frequency). This sequence change replaces serine, which is neutral and polar, with asparagine, which is neutral and polar, at codon 243 of the SQSTM1 protein (p.Ser243Asn). In summary, the available evidence is currently insufficient to determine the role of this variant in disease. Therefore, it has been classified as a Variant of Uncertain Significance. Algorithms developed to predict the effect of missense changes on protein structure and function (SIFT, PolyPhen-2, Align-GVGD) all suggest that this variant is likely to be tolerated.